The following is an entry in ClinVar:

NM_000051.4(ATM):c.4213T>C (p.Leu1405=)

Gene: ATM (ATM serine/threonine kinase; plus strand). Cytogenetic location: 11q22.3.
Variant type: single nucleotide variant.
Coding change: c.4213T>C on transcript NM_000051.4 (MANE Select); coding-DNA position 4213, T replaced by C.
Protein change: p.Leu1405=; no amino-acid change (leucine 1405 retained).
Molecular consequence: synonymous variant.
Genome position (GRCh38, 1-based): chr11:108,289,080, T>C. VCF-style: chr11-108289080-T-C. GRCh37 (hg19) VCF-style: chr11-108159807-T-C.
Other names: c.4213T>C, p.Leu1405= (NM_001351834.2).
Identifiers: ClinVar variation 3253835 (VCV003253835.1), dbSNP rs2135753333.
Genomic context (GRCh38, chr11:108,289,080, plus strand): 5'-GTGATTAAAGCAACATTTGCCTATATCAGCAATTGTCATAAAACCAAGTTAAAAAGCATT[T>C]TAGAAATTCTTTCCAAAAGCCCTGTAAGTATACATGATGAGTTTAATAATAGAACATTCC-3'
Protein context (NP_000042.3, residues 1395-1415): NCHKTKLKSI[Leu1405=]EILSKSPDSY

ClinVar aggregate classification (germline): Benign (1 of 4 stars; one submission).

Conditions:
Familial cancer of breast. Also called: BREAST CANCER, FAMILIAL; Hereditary breast cancer; hereditary breast carcinoma. Identifiers: Orphanet 227535, MedGen C0346153, MONDO:0016419, OMIM 114480. Disease mechanism: loss of function.

Allele frequency attached by ClinVar (database versions not stated): gnomAD exomes below 0.00001.
gnomAD v4.1: 2 of 1,610,832 alleles (0.00012%); highest among the groups gnomAD compares: Non-Finnish European, 0.00017%; no homozygotes.

Submission:

Myriad Genetics, Inc.
Classification: Benign for Familial cancer of breast. Last evaluated: 2024-05-16. Review status: criteria provided, single submitter. Criteria: Myriad Autosomal Dominant, Autosomal Recessive and X-Linked Classification Criteria (2023). Collection method: clinical testing. Allele origin: unknown.
Comment: This variant is considered benign. This variant is a silent/synonymous amino acid change and it is not expected to impact splicing.